The following is an entry in ClinVar:

NM_015001.3(SPEN):c.1903A>G (p.Ser635Gly)

Gene: SPEN (spen family transcriptional repressor; plus strand). Cytogenetic location: 1p36.13.
Variant type: single nucleotide variant.
Coding change: c.1903A>G on transcript NM_015001.3 (MANE Select); coding-DNA position 1903, A replaced by G.
Protein change: p.Ser635Gly; replaces serine 635 with glycine.
Molecular consequence: missense variant.
Genome position (GRCh38, 1-based): chr1:15,928,143, A>G. VCF-style: chr1-15928143-A-G. GRCh37 (hg19) VCF-style: chr1-16254638-A-G.
Other names: short protein forms S635G.
Identifiers: ClinVar variation 2502736 (VCV002502736.1), dbSNP rs2523072277, ClinGen allele CA338597355.
Genomic context (GRCh38, chr1:15,928,143, plus strand): 5'-TTTGGCAGAGAGGAACGAAGGGCATCCTACGACTATAACCAAGATCGTACATATTATGAG[A>G]GTGTTCGAACTCCAGGCACTTATCCTGAGGATTCCAGGCGGGACTATCCAGCTCGAGGGA-3'
Protein context (NP_055816.2, residues 625-645): DYNQDRTYYE[Ser635Gly]VRTPGTYPED

ClinVar aggregate classification (germline): Uncertain significance (1 of 4 stars; one submission).

Submission:

GeneDx
Classification: Uncertain significance. Last evaluated: 2022-11-16. Review status: criteria provided, single submitter. Criteria: GeneDx Variant Classification Process June 2021. Collection method: clinical testing. Allele origin: germline. Affected: yes.
Comment: Not observed at significant frequency in large population cohorts (gnomAD); In silico analysis supports that this missense variant does not alter protein structure/function; Has not been previously published as pathogenic or benign to our knowledge